The following is an entry in ClinVar:

NM_012096.3(APPL1):c.1332T>G (p.Asp444Glu)

Gene: APPL1 (adaptor protein, phosphotyrosine interacting with PH domain and leucine zipper 1; plus strand). Cytogenetic location: 3p14.3.
Variant type: single nucleotide variant.
Coding change: c.1332T>G on transcript NM_012096.3 (MANE Select); coding-DNA position 1332, T replaced by G.
Protein change: p.Asp444Glu; replaces aspartic acid 444 with glutamic acid.
Molecular consequence: missense variant.
Genome position (GRCh38, 1-based): chr3:57,257,330, T>G. VCF-style: chr3-57257330-T-G. GRCh37 (hg19) VCF-style: chr3-57291358-T-G.
Other names: short protein forms D444E.
Identifiers: ClinVar variation 3611346 (VCV003611346.2).

ClinVar aggregate classification (germline): Uncertain significance (1 of 4 stars; one submission).

gnomAD v4.1: 1 of 1,614,116 alleles (0.000062%); highest among the groups gnomAD compares: Admixed American, 0.0017%; no homozygotes.

Submission:

Labcorp Genetics (formerly Invitae), Labcorp
Classification: Uncertain significance. Last evaluated: 2024-02-22. Review status: criteria provided, single submitter. Criteria: Invitae Variant Classification Sherloc (09022015). Collection method: clinical testing. Allele origin: germline.
Comment: This sequence change replaces aspartic acid, which is acidic and polar, with glutamic acid, which is acidic and polar, at codon 444 of the APPL1 protein (p.Asp444Glu). This variant is not present in population databases (gnomAD no frequency). This variant has not been reported in the literature in individuals affected with APPL1-related conditions. Advanced modeling of protein sequence and biophysical properties (such as structural, functional, and spatial information, amino acid conservation, physicochemical variation, residue mobility, and thermodynamic stability) performed at Invitae indicates that this missense variant is not expected to disrupt APPL1 protein function with a negative predictive value of 80%. In summary, the available evidence is currently insufficient to determine the role of this variant in disease. Therefore, it has been classified as a Variant of Uncertain Significance.